The following is an entry in ClinVar:

NM_000236.3(LIPC):c.131C>T (p.Thr44Met)

Gene: LIPC (lipase C, hepatic type; plus strand). Cytogenetic location: 15q21.3.
Variant type: single nucleotide variant.
Coding change: c.131C>T on transcript NM_000236.3 (MANE Select); coding-DNA position 131, C replaced by T.
Protein change: p.Thr44Met; replaces threonine 44 with methionine.
Molecular consequence: missense variant.
Genome position (GRCh38, 1-based): chr15:58,538,375, C>T. VCF-style: chr15-58538375-C-T. GRCh37 (hg19) VCF-style: chr15-58830574-C-T.
Other names: short protein forms T44M.
Identifiers: ClinVar variation 4751532 (VCV004751532.1).
Genomic context (GRCh38, chr15:58,538,375, plus strand): 5'-CCCAATCTTATATTGCAGAGCCATTTGGAAGAAGAGCTCAAGCTGTTGAAACAAACAAAA[C>T]GCTGCATGAGATGAAGACCAGATTCCTGCTCTTTGGAGAAACCAATCAGGGCTGTCAGAT-3'
Protein context (NP_000227.2, residues 34-54): RRAQAVETNK[Thr44Met]LHEMKTRFLL

ClinVar aggregate classification (germline): Uncertain significance (1 of 4 stars; one submission).

gnomAD v4.1: 39 of 1,614,048 alleles (0.0024%); highest among the groups gnomAD compares: Admixed American, 0.005%; no homozygotes.

Submission:

Labcorp Genetics (formerly Invitae), Labcorp
Classification: Uncertain significance. Last evaluated: 2026-01-24. Review status: criteria provided, single submitter. Criteria: Invitae Variant Classification Sherloc (09022015). Collection method: clinical testing. Allele origin: germline.
Comment: This sequence change replaces threonine, which is neutral and polar, with methionine, which is neutral and non-polar, at codon 44 of the LIPC protein (p.Thr44Met). This variant is present in population databases (rs549763129, gnomAD 0.009%). This variant has not been reported in the literature in individuals affected with LIPC-related conditions. Invitae Evidence Modeling of protein sequence and biophysical properties (such as structural, functional, and spatial information, amino acid conservation, physicochemical variation, residue mobility, and thermodynamic stability) indicates that this missense variant is not expected to disrupt LIPC protein function with a negative predictive value of 80%. In summary, the available evidence is currently insufficient to determine the role of this variant in disease. Therefore, it has been classified as a Variant of Uncertain Significance.